The following is an entry in ClinVar:

NM_000260.4(MYO7A):c.6231G>C (p.Trp2077Cys)

Gene: MYO7A (myosin VIIA; plus strand). Cytogenetic location: 11q13.5.
Variant type: single nucleotide variant.
Coding change: c.6231G>C on transcript NM_000260.4 (MANE Select); coding-DNA position 6231, G replaced by C.
Protein change: p.Trp2077Cys; replaces tryptophan 2077 with cysteine.
Molecular consequence: missense variant.
Genome position (GRCh38, 1-based): chr11:77,211,331, G>C. VCF-style: chr11-77211331-G-C. GRCh37 (hg19) VCF-style: chr11-76922376-G-C.
Other names: c.6117G>C, p.Trp2039Cys (NM_001127180.2); c.6084G>C, p.Trp2028Cys (NM_001369365.1); short protein forms W2028C, W2039C, W2077C.
Identifiers: ClinVar variation 2831860 (VCV002831860.3), dbSNP rs1957851234, ClinGen allele CA381936355.

ClinVar aggregate classification (germline): Likely pathogenic (1 of 4 stars; one submission).

Allele frequency attached by ClinVar (database versions not stated): gnomAD exomes below 0.00001.
gnomAD v4.1: 1 of 1,578,616 alleles (0.000063%); highest among the groups gnomAD compares: Non-Finnish European, 0.000086%; no homozygotes.

Submission:

Labcorp Genetics (formerly Invitae), Labcorp
Classification: Likely pathogenic. Last evaluated: 2023-01-26. Review status: criteria provided, single submitter. Criteria: Invitae Variant Classification Sherloc (09022015). Collection method: clinical testing. Allele origin: germline.
Comment: In summary, the currently available evidence indicates that the variant is pathogenic, but additional data are needed to prove that conclusively. Therefore, this variant has been classified as Likely Pathogenic. This variant disrupts the p.Trp2077 amino acid residue in MYO7A. Other variant(s) that disrupt this residue have been determined to be pathogenic (PMID: 28472130). This suggests that this residue is clinically significant, and that variants that disrupt this residue are likely to be disease-causing. Advanced modeling of protein sequence and biophysical properties (such as structural, functional, and spatial information, amino acid conservation, physicochemical variation, residue mobility, and thermodynamic stability) performed at Invitae indicates that this missense variant is expected to disrupt MYO7A protein function. This variant has not been reported in the literature in individuals affected with MYO7A-related conditions. This variant is not present in population databases (gnomAD no frequency). This sequence change replaces tryptophan, which is neutral and slightly polar, with cysteine, which is neutral and slightly polar, at codon 2077 of the MYO7A protein (p.Trp2077Cys).

Literature cited by the submitters: PubMed 28472130.